The following is an entry in ClinVar:

ClinVar aggregate classification (germline): Benign (0 of 4 stars; one submission).

Conditions:
COL15A1-related disorder. Also called: COL15A1-related condition.

Allele frequency attached by ClinVar (database versions not stated): gnomAD exomes 0.00110; ExAC 0.00357; ESP Exome Variant Server 0.00953; gnomAD 0.01095; TOPMed 0.01172; 1000 Genomes Project 0.01418; 1000 Genomes Project 30x 0.01421.
gnomAD v4.1: 3,351 of 1,612,120 alleles (0.21%); highest among the groups gnomAD compares: African/African-American, 3.9%; 52 homozygotes.

Submission:

PreventionGenetics, part of Exact Sciences
Classification: Benign for COL15A1-related condition. Last evaluated: 2019-03-26. Review status: no assertion criteria provided. Collection method: clinical testing. Allele origin: germline.
Comment: This variant is classified as benign based on ACMG/AMP sequence variant interpretation guidelines (Richards et al. 2015 PMID: 25741868, with internal and published modifications).

NM_001855.5(COL15A1):c.2966A>G (p.Lys989Arg)

Gene: COL15A1 (collagen type XV alpha 1 chain; plus strand). Cytogenetic location: 9q22.33.
Variant type: single nucleotide variant.
Coding change: c.2966A>G on transcript NM_001855.5 (MANE Select); coding-DNA position 2966, A replaced by G.
Protein change: p.Lys989Arg; replaces lysine 989 with arginine.
Molecular consequence: missense variant.
Genome position (GRCh38, 1-based): chr9:99,054,591, A>G. VCF-style: chr9-99054591-A-G. GRCh37 (hg19) VCF-style: chr9-101816873-A-G.
Other names: short protein forms K989R.
Identifiers: ClinVar variation 3043961 (VCV003043961.2), dbSNP rs35642150, ClinGen allele CA5155706.